The following is an entry in ClinVar:

NM_000548.5(TSC2):c.1751C>T (p.Thr584Met)

Gene: TSC2 (TSC complex subunit 2; plus strand). Cytogenetic location: 16p13.3.
Variant type: single nucleotide variant.
Coding change: c.1751C>T on transcript NM_000548.5 (MANE Select); coding-DNA position 1751, C replaced by T.
Protein change: p.Thr584Met; replaces threonine 584 with methionine.
Molecular consequence: missense variant.
Genome position (GRCh38, 1-based): chr16:2,070,490, C>T. VCF-style: chr16-2070490-C-T. GRCh37 (hg19) VCF-style: chr16-2120491-C-T.
Other names: p.T584M:ACG>ATG; c.1751C>T, p.Thr584Met (NM_001077183.3, NM_001114382.3, NM_001363528.2 and 3 more transcripts); c.1640C>T, p.Thr547Met (NM_001318827.2); c.1604C>T, p.Thr535Met (NM_001318829.2); c.1151C>T, p.Thr384Met (NM_001318831.2); c.1784C>T, p.Thr595Met (NM_001318832.2); c.1751C>T (NM_000548.4); short protein forms T584M, T535M, T547M, T595M, T384M.
Identifiers: ClinVar variation 207663 (VCV000207663.25), dbSNP rs751147419, ClinGen allele CA033300.

ClinVar aggregate classification (germline): Conflicting classifications of pathogenicity. Review status: criteria provided, conflicting classifications (1 of 4 stars). 8 submissions from 8 submitters: Uncertain significance (2); Benign (2); Likely benign (4). Last evaluated 2025-11-11.

Conditions:
TSC2-related disorder. Also called: TSC2-Related Disorders; TSC2-related condition.
Hereditary cancer-predisposing syndrome. Also called: Hereditary Cancer Syndrome; Neoplastic Syndromes, Hereditary; Tumor predisposition; Hereditary neoplastic syndrome. Identifiers: Orphanet 140162, MedGen C0027672, MeSH D009386, MONDO:0015356.
Tuberous sclerosis syndrome (TSC). Also called: Tuberous sclerosis; Tuberous Sclerosis Complex. Identifiers: Orphanet 805, MedGen C0041341, MONDO:0001734.
Tuberous sclerosis 2 (TSC2). Identifiers: Orphanet 805, MedGen C1860707, MONDO:0013199, OMIM 613254.

Allele frequency attached by ClinVar (database versions not stated): gnomAD exomes 0.00001; ExAC 0.00002; TOPMed 0.00002; gnomAD 0.00003.
gnomAD v4.1: 15 of 1,613,310 alleles (0.00093%); highest among the groups gnomAD compares: East Asian, 0.0022%; no homozygotes.

Submissions (8):

PreventionGenetics, part of Exact Sciences
Classification: Likely benign for TSC2-related condition. Last evaluated: 2025-11-11. Review status: criteria provided, single submitter. Criteria: ACMG Guidelines, 2015. Collection method: clinical testing. Allele origin: germline.
Comment: This variant is classified as likely benign based on ACMG/AMP sequence variant interpretation guidelines (Richards et al. 2015 PMID: 25741868, with internal and published modifications).

Labcorp Genetics (formerly Invitae), Labcorp
Classification: Benign for Tuberous sclerosis 2. Last evaluated: 2025-09-16. Review status: criteria provided, single submitter. Criteria: Invitae Variant Classification Sherloc (09022015). Collection method: clinical testing. Allele origin: germline.

All of Us Research Program, National Institutes of Health
Classification: Uncertain significance for Tuberous sclerosis syndrome. Last evaluated: 2024-06-09. Review status: criteria provided, single submitter. Criteria: ACMG Guidelines, 2015. Collection method: clinical testing. Allele origin: germline. Inheritance: Autosomal dominant inheritance. Observed: 7 variant alleles, 7 heterozygotes.
Comment: This missense variant replaces threonine with methionine at codon 584 of the TSC2 protein. Computational prediction suggests that this variant may not impact protein structure and function (internally defined REVEL score threshold <= 0.5, PMID: 27666373). To our knowledge, functional studies have not been reported for this variant. This variant has not been reported in individuals affected with tuberous sclerosis complex in the literature. This variant has been identified in 3/250874 chromosomes in the general population by the Genome Aggregation Database (gnomAD). The available evidence is insufficient to determine the role of this variant in disease conclusively. Therefore, this variant is classified as a Variant of Uncertain Significance.

This study involves interpretation of variants in research participants for the purpose of population health screening. Participant phenotype was not available at the time of variant classification. Additional details can be found in publication PMID: 35346344, PMCID: PMC8962531

Color Diagnostics, LLC DBA Color Health
Classification: Uncertain significance for Tuberous sclerosis syndrome. Last evaluated: 2024-03-06. Review status: criteria provided, single submitter. Criteria: ACMG Guidelines, 2015. Collection method: clinical testing. Allele origin: germline.
Comment: This missense variant replaces threonine with methionine at codon 584 of the TSC2 protein. Computational prediction suggests that this variant may not impact protein structure and function. To our knowledge, functional studies have not been reported for this variant. This variant has not been reported in individuals affected with tuberous sclerosis complex in the literature. This variant has been identified in 3/250874 chromosomes in the general population by the Genome Aggregation Database (gnomAD). The available evidence is insufficient to determine the role of this variant in disease conclusively. Therefore, this variant is classified as a Variant of Uncertain Significance.

Genome-Nilou Lab
Classification: Benign for Tuberous sclerosis 2. Last evaluated: 2021-11-07. Review status: criteria provided, single submitter. Criteria: ACMG Guidelines, 2015. Collection method: clinical testing. Allele origin: germline. Affected: no.

Ambry Genetics
Classification: Likely benign for Hereditary cancer-predisposing syndrome. Last evaluated: 2019-04-03. Review status: criteria provided, single submitter. Criteria: Ambry Variant Classification Scheme 2023. Collection method: clinical testing. Allele origin: germline.

GeneDx
Classification: Likely benign. Last evaluated: 2018-06-01. Review status: criteria provided, single submitter. Criteria: GeneDx Variant Classification Process June 2021. Collection method: clinical testing. Allele origin: germline. Affected: yes.

Breakthrough Genomics
Classification: Likely benign. Review status: criteria provided, single submitter. Criteria: ACMG Guidelines, 2015. Collection method: not provided. Allele origin: germline. Inheritance: Autosomal dominant inheritance. Affected: yes.